The following is an entry in ClinVar:

ClinVar aggregate classification (germline): Uncertain significance (1 of 4 stars; one submission).

Conditions:
Donnai-Barrow syndrome. Also called: DBS/FOAR SYNDROME; FACIOOCULOACOUSTICORENAL SYNDROME. Identifiers: Orphanet 2143, MedGen C1857277, MONDO:0009104, OMIM 222448.

Submission:

Myriad Genetics, Inc.
Classification: Uncertain significance for Donnai-Barrow syndrome. Last evaluated: 2026-02-19. Review status: criteria provided, single submitter. Criteria: Myriad Autosomal Dominant, Autosomal Recessive and X-Linked Classification Criteria (2023). Collection method: clinical testing. Allele origin: unknown.
Comment: NM_004525.2(LRP2):c.12141_12143dupTGC(A4049dup) is an in-frame insertion classified as a variant of uncertain significance in the context of Donnai-Barrow syndrome. A4049dup has not been observed in cases with relevant disease. Relevant functional assessments of this variant are not available in the literature. A4049dup has not been observed in referenced population frequency databases. In summary, there is insufficient evidence to classify NM_004525.2(LRP2):c.12141_12143dupTGC(A4049dup) as pathogenic or benign. Please note: this variant was assessed in the context of healthy population screening.

NM_004525.3(LRP2):c.12141_12143dup (p.Ala4049_Glu4050insAla)

Gene: LRP2 (LDL receptor related protein 2; minus strand). Cytogenetic location: 2q31.1.
Variant type: Duplication.
Coding change: c.12141_12143dup on transcript NM_004525.3 (MANE Select); coding-DNA positions 12141 to 12143, 3 bases duplicated (TGC; older notation c.12141_12143dupTGC).
Protein change: p.Ala4049_Glu4050insAla.
Molecular consequence: inframe insertion.
Genome position (GRCh38, 1-based): chr2:169,156,282-169,156,284, GCA duplicated on the plus strand (TGC on the coding strand, the reverse complement: LRP2 is on the minus strand). VCF-style (leftmost placement, unchanged base first): chr2-169156281-T-TGCA. GRCh37 (hg19) VCF-style: chr2-170012791-T-TGCA.
Identifiers: ClinVar variation 5004049 (VCV005004049.1).
Genomic context (GRCh38, chr2:169,156,281, plus strand): 5'-AGCAGTATTTATTTCCCCAAAAGTCAATTAATCCCAACATGAACCCATCATACCCTCAGC[T>TGCA]GCACATCGTTTTCCAGGGCGGTCACTCATAGACGTGAAGCCATCAGCACAGACACACTCA-3'